The following is an entry in ClinVar:

NM_002471.4(MYH6):c.245C>T (p.Pro82Leu)

Genes: MYH6 (myosin heavy chain 6; minus strand), LOC114827851 (VISTA enhancer hs2155; plus strand). Cytogenetic location: 14q11.2.
Variant type: single nucleotide variant.
Coding change: c.245C>T on transcript NM_002471.4 (MANE Select); coding-DNA position 245, C replaced by T.
Protein change: p.Pro82Leu; replaces proline 82 with leucine.
Molecular consequence: missense variant.
Genome position (GRCh38, 1-based): chr14:23,405,727, G>A on the plus strand (C>T on the coding strand, the complement: MYH6 is on the minus strand). VCF-style: chr14-23405727-G-A. GRCh37 (hg19) VCF-style: chr14-23874936-G-A.
Other names: short protein forms P82L.
Identifiers: ClinVar variation 164256 (VCV000164256.18), dbSNP rs529427223, ClinGen allele CA176969.

ClinVar aggregate classification (germline): Conflicting classifications of pathogenicity. Review status: criteria provided, conflicting classifications (1 of 4 stars). 4 submissions from 4 submitters: Uncertain significance (2); Likely benign (2). Last evaluated 2025-01-19.

Conditions:
Cardiovascular phenotype. Identifiers: MedGen CN230736.
Hypertrophic cardiomyopathy 14. Identifiers: MedGen C2750467, MONDO:0013197, OMIM 613251.

Allele frequency attached by ClinVar (database versions not stated): gnomAD below 0.00001 and 0.00002; gnomAD exomes 0.00004 and 0.00011; ExAC 0.00012; 1000 Genomes Project 30x 0.00016; 1000 Genomes Project 0.00020.
gnomAD v4.1: 62 of 1,614,132 alleles (0.0038%); highest among the groups gnomAD compares: South Asian, 0.054%; 1 homozygote.

Submissions (4):

Ambry Genetics
Classification: Uncertain significance for Cardiovascular phenotype. Last evaluated: 2025-01-19. Review status: criteria provided, single submitter. Criteria: Ambry Variant Classification Scheme 2023. Collection method: clinical testing. Allele origin: germline.
Comment: The p.P82L variant (also known as c.245C>T), located in coding exon 2 of the MYH6 gene, results from a C to T substitution at nucleotide position 245. The proline at codon 82 is replaced by leucine, an amino acid with similar properties. This alteration has been reported in a hypertrophic cardiomyopathy (HCM) cohort; however, clinical details were limited (Lopes LR et al. Heart, 2015 Feb;101:294-301). This amino acid position is highly conserved in available vertebrate species. In addition, the in silico prediction for this alteration is inconclusive. Since supporting evidence is limited at this time, the clinical significance of this alteration remains unclear.

Labcorp Genetics (formerly Invitae), Labcorp
Classification: Likely benign for Hypertrophic cardiomyopathy 14. Last evaluated: 2024-01-04. Review status: criteria provided, single submitter. Criteria: Invitae Variant Classification Sherloc (09022015). Collection method: clinical testing. Allele origin: germline.

Blueprint Genetics
Classification: Likely benign. Last evaluated: 2023-10-17. Review status: criteria provided, single submitter. Criteria: ACMG Guidelines, 2015. Collection method: clinical testing. Allele origin: germline.

Laboratory for Molecular Medicine, Mass General Brigham Personalized Medicine
Classification: Uncertain significance. Last evaluated: 2014-08-21. Review status: criteria provided, single submitter. Criteria: LMM Criteria. Collection method: clinical testing. Allele origin: germline. Observed: 1 variant allele.
Comment: The Pro82Leu variant in MYH6 gene has not been previously reported in individual s with cardiomyopathy or in large population studies. Computational prediction t ools and conservation analysis suggest that this variant may impact the protein, though this information is not predictive enough to determine pathogenicity. In summary, the clinical significance of the Pro82Leu variant is uncertain.

Literature cited by the submitters: PubMed 25351510 (cited by Ambry Genetics).